The following is an entry in ClinVar:

ClinVar aggregate classification (germline): Conflicting classifications of pathogenicity. Review status: criteria provided, conflicting classifications (1 of 4 stars). 2 submissions from 2 submitters: Uncertain significance (1); Likely benign (1). Last evaluated 2023-05-23.

Conditions:
CACNA1E-related disorder. Also called: CACNA1E-related condition.

Submissions (2):

PreventionGenetics, part of Exact Sciences
Classification: Uncertain significance for CACNA1E-related condition. Last evaluated: 2023-05-23. Review status: criteria provided, single submitter. Criteria: ACMG Guidelines, 2015. Collection method: clinical testing. Allele origin: germline.
Comment: The CACNA1E c.3343_3345delAAG variant is predicted to result in an in-frame deletion (p.Lys1115del). To our knowledge, this variant has not been reported in the literature or in a large population database, indicating this variant is rare. At this time, the clinical significance of this variant is uncertain due to the absence of conclusive functional and genetic evidence.

Labcorp Genetics (formerly Invitae), Labcorp
Classification: Likely benign. Last evaluated: 2023-05-22. Review status: criteria provided, single submitter. Criteria: Invitae Variant Classification Sherloc (09022015). Collection method: clinical testing. Allele origin: germline.

NM_001205293.3(CACNA1E):c.3337AAG[2] (p.Lys1115del)

Gene: CACNA1E (calcium voltage-gated channel subunit alpha1 E; plus strand). Cytogenetic location: 1q25.3.
Variant type: Microsatellite.
Coding change: c.3337AAG[2] on transcript NM_001205293.3 (MANE Select); two copies in a row of the 3-base unit AAG starting at c.3337; the reference has three copies in a row; one copy, 3 bases deleted.
Protein change: p.Lys1115del; deletes lysine 1115.
Molecular consequence: inframe deletion.
Genome position (GRCh38, 1-based): chr1:181,736,355-181,736,357, AAG deleted; deleting any 3 consecutive bases within chr1:181,736,347-181,736,357 gives the same sequence; the position shown is the placement nearest the transcript's 3' end. VCF-style (leftmost placement, unchanged base first): chr1-181736346-GAGA-G. GRCh37 (hg19) VCF-style: chr1-181705482-GAGA-G.
Other names: c.3343_3345delAAG (NM_000721.3); c.3337AAG[2], p.Lys1115del (NM_000721.4); c.3280AAG[2], p.Lys1096del (NM_001205294.2); short protein forms K1115del, K1096del.
Identifiers: ClinVar variation 2002333 (VCV002002333.5), dbSNP rs1306776407, ClinGen allele CA2580611514.
Genomic context (GRCh38, chr1:181,736,346, plus strand): 5'-ACGGATGGGGAAGCCAGTCCCTTGAAGGAGGCAGAGATCAGAGAGGATGAGGAGGAGGTG[GAGA>G]AGAAGAAGCAGAAGAAGGAGAAGCGTGAGACAGGCAAAGCCATGGTGCCCCACAGCTCAA-3'